The following is an entry in ClinVar:

ClinVar aggregate classification (germline): Likely benign (1 of 4 stars; one submission).

Submission:

Women's Health and Genetics/Laboratory Corporation of America, LabCorp
Classification: Likely benign. Last evaluated: 2024-01-15. Review status: criteria provided, single submitter. Criteria: LabCorp Variant Classification Summary - May 2015. Collection method: clinical testing. Allele origin: germline.
Comment: Variant summary: FBN1 c.8051+14_8051+18delTTCCT alters nucleotides located at positions not widely known to affect splicing. Consensus agreement among computation tools predict no significant impact on normal splicing. However, these predictions have yet to be confirmed by functional studies. The variant was absent in 249128 control chromosomes (gnomAD). The available data on variant occurrences in the general population are insufficient to allow any conclusion about variant significance. To our knowledge, no occurrence of c.8051+14_8051+18delTTCCT in individuals affected with Marfan Syndrome and no experimental evidence demonstrating its impact on protein function have been reported. No submitters have reported clinical-significance assessments for this variant to ClinVar. Based on the evidence outlined above, the variant was classified as likely benign.

NM_000138.5(FBN1):c.8051+14_8051+18del

Gene: FBN1 (fibrillin 1; minus strand). Cytogenetic location: 15q21.1.
Variant type: Deletion.
Coding change: c.8051+14_8051+18del on transcript NM_000138.5 (MANE Select); bases 14 to 18 of the intron after coding-DNA position 8051, 5 bases deleted (TTCCT; older notation c.8051+14_8051+18delTTCCT).
Molecular consequence: intron variant.
Genome position (GRCh38, 1-based): chr15:48,415,518-48,415,522, AGGAA deleted on the plus strand (TTCCT on the coding strand, the reverse complement: FBN1 is on the minus strand). VCF-style (leftmost placement, unchanged base first): chr15-48415517-CAGGAA-C. GRCh37 (hg19) VCF-style: chr15-48707714-CAGGAA-C.
Other names: c.8051+14_8051+18del (NM_001406716.1); c.8051+14_8051+18delTTCCT (NM_000138.5).
Identifiers: ClinVar variation 3063908 (VCV003063908.1), dbSNP rs2505382295, ClinGen allele CA2740096609.